The following is an entry in ClinVar:

ClinVar aggregate classification (germline): Uncertain significance. Review status: criteria provided, multiple submitters, no conflicts (2 of 4 stars). 2 submissions from 2 submitters: Uncertain significance (2). Last evaluated 2025-06-05.

Conditions:
Gnathodiaphyseal dysplasia (GDD). Also called: GNATHODIAPHYSEAL SCLEROSIS; OSTEOGENESIS IMPERFECTA WITH UNUSUAL SKELETAL LESIONS. Identifiers: Orphanet 53697, MedGen C1833736, MONDO:0008151, OMIM 166260.
Autosomal recessive limb-girdle muscular dystrophy type 2L (LGMDR12). Also called: Limb-girdle muscular dystrophy, type 2L; MUSCULAR DYSTROPHY, LIMB-GIRDLE, AUTOSOMAL RECESSIVE 12; Limb-Girdle Muscular Dystrophy R12 Anoctamin-5-Related (LGMD-R12). Identifiers: Orphanet 206549, MedGen C1969785, MONDO:0012652, OMIM 611307.

Allele frequency attached by ClinVar (database versions not stated): ExAC 0.00001; gnomAD 0.00001; TOPMed 0.00001; ESP Exome Variant Server 0.00008.
gnomAD v4.1: 5 of 1,612,658 alleles (0.00031%); highest among the groups gnomAD compares: African/African-American, 0.0013%; no homozygotes.

Submissions (2):

Revvity Omics, Revvity
Classification: Uncertain significance. Last evaluated: 2025-06-05. Review status: criteria provided, single submitter. Criteria: ACMG Guidelines, 2015. Collection method: clinical testing. Allele origin: germline.

Labcorp Genetics (formerly Invitae), Labcorp
Classification: Uncertain significance for Autosomal recessive limb-girdle muscular dystrophy type 2L; Gnathodiaphyseal dysplasia. Last evaluated: 2024-01-10. Review status: criteria provided, single submitter. Criteria: Invitae Variant Classification Sherloc (09022015). Collection method: clinical testing. Allele origin: germline.
Comment: This sequence change replaces tyrosine, which is neutral and polar, with cysteine, which is neutral and slightly polar, at codon 762 of the ANO5 protein (p.Tyr762Cys). This variant is present in population databases (rs373292041, gnomAD 0.007%). This variant has not been reported in the literature in individuals affected with ANO5-related conditions. Advanced modeling of protein sequence and biophysical properties (such as structural, functional, and spatial information, amino acid conservation, physicochemical variation, residue mobility, and thermodynamic stability) has been performed at Invitae for this missense variant, however the output from this modeling did not meet the statistical confidence thresholds required to predict the impact of this variant on ANO5 protein function. In summary, the available evidence is currently insufficient to determine the role of this variant in disease. Therefore, it has been classified as a Variant of Uncertain Significance.

NM_213599.3(ANO5):c.2285A>G (p.Tyr762Cys)

Gene: ANO5 (anoctamin 5; plus strand). Cytogenetic location: 11p14.3.
Variant type: single nucleotide variant.
Coding change: c.2285A>G on transcript NM_213599.3 (MANE Select); coding-DNA position 2285, A replaced by G.
Protein change: p.Tyr762Cys; replaces tyrosine 762 with cysteine.
Molecular consequence: missense variant.
Genome position (GRCh38, 1-based): chr11:22,274,618, A>G. VCF-style: chr11-22274618-A-G. GRCh37 (hg19) VCF-style: chr11-22296164-A-G.
Other names: c.2282A>G, p.Tyr761Cys (NM_001142649.2); c.2243A>G, p.Tyr748Cys (NM_001410963.1); c.2240A>G, p.Tyr747Cys (NM_001410964.1); short protein forms Y762C, Y761C, Y747C, Y748C.
Identifiers: ClinVar variation 2933647 (VCV002933647.4), dbSNP rs373292041, ClinGen allele CA5923516.
Genomic context (GRCh38, chr11:22,274,618, plus strand): 5'-TTATTCTTCAGGCCTTTATTGTTGCATTTACGTCAGACATCATTCCCCGTCTAGTTTACT[A>G]CTATGCTTACTCAACAAATGCCACACAGCCTATGACAGGATATGTGAATAATAGCCTGTC-3'
Protein context (NP_998764.1, residues 752-772): TSDIIPRLVY[Tyr762Cys]YAYSTNATQP